The following is an entry in ClinVar:

NM_170707.4(LMNA):c.836A>G (p.Glu279Gly)

Gene: LMNA (lamin A/C; plus strand). Cytogenetic location: 1q22.
Variant type: single nucleotide variant.
Coding change: c.836A>G on transcript NM_170707.4 (MANE Select); coding-DNA position 836, A replaced by G.
Protein change: p.Glu279Gly; replaces glutamic acid 279 with glycine.
Molecular consequence: missense variant.
Genome position (GRCh38, 1-based): chr1:156,135,212, A>G. VCF-style: chr1-156135212-A-G. GRCh37 (hg19) VCF-style: chr1-156105003-A-G.
Other names: c.500A>G, p.Glu167Gly (NM_001257374.3); c.593A>G, p.Glu198Gly (NM_001282624.2); c.836A>G, p.Glu279Gly (NM_001282625.2, NM_001282626.2, NM_005572.4 and 1 more transcripts); short protein forms E167G, E198G, E279G.
Identifiers: ClinVar variation 1701113 (VCV001701113.31), dbSNP rs2102883279, ClinGen allele CA342817522.

ClinVar aggregate classification (germline): Uncertain significance (1 of 4 stars; one submission).

Submission:

CeGaT Center for Human Genetics Tuebingen
Classification: Uncertain significance. Last evaluated: 2023-09-01. Review status: criteria provided, single submitter. Criteria: CeGaT Center For Human Genetics Tuebingen Variant Classification Criteria Version 2. Collection method: clinical testing. Allele origin: germline. Affected: yes. Observed: 1 variant allele.
Comment: LMNA: PM2